The following is an entry in ClinVar:

NM_001104.4(ACTN3):c.2563G>A (p.Glu855Lys)

Gene: ACTN3 (actinin alpha 3; plus strand). Cytogenetic location: 11q13.2.
Variant type: single nucleotide variant.
Coding change: c.2563G>A on transcript NM_001104.4 (MANE Select); coding-DNA position 2563, G replaced by A.
Protein change: p.Glu855Lys; replaces glutamic acid 855 with lysine.
Molecular consequence: missense variant.
Genome position (GRCh38, 1-based): chr11:66,563,050, G>A. VCF-style: chr11-66563050-G-A. GRCh37 (hg19) VCF-style: chr11-66330521-G-A.
Other names: c.2692G>A, p.Glu898Lys (NM_001258371.3); c.2563G>A (NM_001104.3); short protein forms E898K, E855K.
Identifiers: ClinVar variation 2393367 (VCV002393367.4), dbSNP rs199599736, ClinGen allele CA6125126.
Genomic context (GRCh38, chr11:66,563,050, plus strand): 5'-GGCAGGGCACGGGACCTGTGGGTCCTCAACGCCTCTTCTCCCCAGAACTACATCACCCCC[G>A]AGGAGCTGCGGCGCGAGCTCCCTGCCAAGCAGGCCGAGTACTGCATCCGCCGTATGGTGC-3'
Protein context (NP_001095.2, residues 845-865): LAGDKNYITP[Glu855Lys]ELRRELPAKQ

ClinVar aggregate classification (germline): Uncertain significance. Review status: criteria provided, single submitter (1 of 4 stars). 2 submissions from 2 submitters: Uncertain significance (1). 1 of the submissions does not count toward it. Last evaluated 2022-08-26.

Conditions:
ACTN3-related disorder. Also called: ACTN3-related condition.

Allele frequency attached by ClinVar (database versions not stated): ESP Exome Variant Server 0.00008; 1000 Genomes Project 30x 0.00016; 1000 Genomes Project 0.00020.
gnomAD v4.1: 156 of 1,612,120 alleles (0.0097%); highest among the groups gnomAD compares: Middle Eastern, 0.12%; no homozygotes.

Submissions (2):

Ambry Genetics
Classification: Uncertain significance. Last evaluated: 2022-08-26. Review status: criteria provided, single submitter. Criteria: Ambry Variant Classification Scheme 2023. Collection method: clinical testing. Allele origin: germline.

PreventionGenetics, part of Exact Sciences
Classification: Likely benign for ACTN3-related condition. Last evaluated: 2023-04-19. Review status: no assertion criteria provided. Collection method: clinical testing. Allele origin: germline. Not counted in ClinVar's aggregate classification.
Comment: This variant is classified as likely benign based on ACMG/AMP sequence variant interpretation guidelines (Richards et al. 2015 PMID: 25741868, with internal and published modifications).